The following is an entry in ClinVar:

ClinVar aggregate classification (germline): Uncertain significance (1 of 4 stars; one submission).

Allele frequency attached by ClinVar (database versions not stated): gnomAD exomes below 0.00001; TOPMed below 0.00001; gnomAD 0.00001.
gnomAD v4.1: 2 of 1,612,346 alleles (0.00012%); highest among the groups gnomAD compares: Non-Finnish European, 0.00017%; no homozygotes.

Submission:

Labcorp Genetics (formerly Invitae), Labcorp
Classification: Uncertain significance. Last evaluated: 2023-07-18. Review status: criteria provided, single submitter. Criteria: Invitae Variant Classification Sherloc (09022015). Collection method: clinical testing. Allele origin: germline.
Comment: In summary, the available evidence is currently insufficient to determine the role of this variant in disease. Therefore, it has been classified as a Variant of Uncertain Significance. Algorithms developed to predict the effect of sequence changes on RNA splicing suggest that this variant may disrupt the consensus splice site. This variant has not been reported in the literature in individuals affected with RIMS1-related conditions. This variant is not present in population databases (gnomAD no frequency). This sequence change affects a donor splice site in intron 24 of the RIMS1 gene. It is expected to disrupt RNA splicing. Variants that disrupt the donor or acceptor splice site typically lead to a loss of protein function (PMID: 16199547), however the current clinical and genetic evidence is not sufficient to establish whether loss-of-function variants in RIMS1 cause disease.

Literature cited by the submitters: PubMed 16199547.

NM_014989.7(RIMS1):c.3554+1G>A

Gene: RIMS1 (regulating synaptic membrane exocytosis 1; plus strand). Cytogenetic location: 6q13.
Variant type: single nucleotide variant.
Coding change: c.3554+1G>A on transcript NM_014989.7 (MANE Select); the canonical splice donor site of the intron after coding-DNA position 3554, G replaced by A.
Molecular consequence: splice donor variant. On other transcripts: intron variant (33).
Genome position (GRCh38, 1-based): chr6:72,284,119, G>A. VCF-style: chr6-72284119-G-A. GRCh37 (hg19) VCF-style: chr6-72993822-G-A.
Other names: c.1631+1G>A (NM_001350428.2); c.1560-7815G>A (NM_001350459.2, NM_001350424.2); c.1641-7815G>A (NM_001350437.2); c.1628+1G>A (NM_001350430.2); c.1700+1G>A (NM_001350416.2, NM_001350448.2, NM_001350446.2 and 2 more transcripts); c.1557-7815G>A (NM_001350421.2, NM_001350450.2); c.1707-7815G>A (NM_001350458.2); c.1784+1G>A (NM_001350433.2); and 30 more.
Identifiers: ClinVar variation 2744652 (VCV002744652.3), dbSNP rs1322377965, ClinGen allele CA364688679.